The following is an entry in ClinVar:

NM_032380.5(GFM2):c.2132del (p.Arg711fs)

Gene: GFM2 (GTP dependent ribosome recycling factor mitochondrial 2; minus strand). Cytogenetic location: 5q13.3.
Variant type: Deletion.
Coding change: c.2132del on transcript NM_032380.5 (MANE Select); coding-DNA position 2132, one base deleted (G; older notation c.2132delG).
Protein change: p.Arg711fs; shifts the reading frame from arginine 711.
Molecular consequence: frameshift variant. On other transcripts: non-coding transcript variant (1).
Genome position (GRCh38, 1-based): chr5:74,722,458, C deleted on the plus strand (G on the coding strand, the reverse complement: GFM2 is on the minus strand). VCF-style (leftmost placement, unchanged base first): chr5-74722457-TC-T. GRCh37 (hg19) VCF-style: chr5-74018282-TC-T.
Other names: c.2132delG (NM_032380.5, NM_032380.3); c.1991del, p.Arg664fs (NM_170691.3); c.2228del, p.Arg743fs (NM_001281302.2); short protein forms R664fs, R711fs, R743fs.
Identifiers: ClinVar variation 1313068 (VCV001313068.9), dbSNP rs1167646213, ClinGen allele CA444851024.
Genomic context (GRCh38, chr5:74,722,457, plus strand): 5'-AACAAATCCAATAACAACTTTGTTGTCCTGGCGAGTCTGAATTTCCTGAATGTTTCCTCT[TC>T]TTTGTGCCAGATCTGCCAGGACAGGGCTGAGATAATCTCTAGCTACTGTAACCTCAAGAT-3'

ClinVar aggregate classification (germline): Uncertain significance. Review status: criteria provided, multiple submitters, no conflicts (2 of 4 stars). 5 submissions from 5 submitters: Uncertain significance (5). Last evaluated 2025-12-11.

Conditions:
Inborn genetic diseases. Identifiers: MedGen C0950123, MeSH D030342.

Allele frequency attached by ClinVar (database versions not stated): gnomAD exomes below 0.00001 and 0.00001; gnomAD 0.00001; TOPMed 0.00001.

Submissions (5):

Women's Health and Genetics/Laboratory Corporation of America, LabCorp
Classification: Uncertain significance. Last evaluated: 2025-12-11. Review status: criteria provided, single submitter. Criteria: LabCorp Variant Classification Summary - May 2015. Collection method: clinical testing. Allele origin: germline.
Comment: Variant summary: GFM2 c.2132delG (p.Arg711LysfsX23) results in a premature termination codon, predicted to cause a truncation of the encoded protein, however nonsense mediated decay is not predicted. The variant allele was found at a frequency of 4e-06 in 251070 control chromosomes. The available data on variant occurrences in the general population are insufficient to allow any conclusion about variant significance. To our knowledge, no occurrence of c.2132delG in individuals affected with GFM2-related conditions and no experimental evidence demonstrating its impact on protein function have been reported. ClinVar contains an entry for this variant (Variation ID: 1313068). Based on the evidence outlined above, the variant was classified as uncertain significance.

Labcorp Genetics (formerly Invitae), Labcorp
Classification: Uncertain significance. Last evaluated: 2024-11-07. Review status: criteria provided, single submitter. Criteria: Invitae Variant Classification Sherloc (09022015). Collection method: clinical testing. Allele origin: germline.
Comment: This sequence change creates a premature translational stop signal (p.Arg711Lysfs*23) in the GFM2 gene. While this is not anticipated to result in nonsense mediated decay, it is expected to disrupt the last 69 amino acid(s) of the GFM2 protein. This variant is present in population databases (no rsID available, gnomAD 0.003%). This variant has not been reported in the literature in individuals affected with GFM2-related conditions. ClinVar contains an entry for this variant (Variation ID: 1313068). Experimental studies and prediction algorithms are not available or were not evaluated, and the functional significance of this variant is currently unknown. In summary, the available evidence is currently insufficient to determine the role of this variant in disease. Therefore, it has been classified as a Variant of Uncertain Significance.

GeneDx
Classification: Uncertain significance. Last evaluated: 2023-12-26. Review status: criteria provided, single submitter. Criteria: GeneDx Variant Classification Process June 2021. Collection method: clinical testing. Allele origin: germline. Affected: yes.
Comment: Not observed at significant frequency in large population cohorts (gnomAD); Frameshift variant predicted to result in protein truncation as the last 69 amino acids are replaced with 22 different amino acids, although loss-of-function variants have not been reported downstream of this position in the protein; Has not been previously published as pathogenic or benign to our knowledge

Ambry Genetics
Classification: Uncertain significance for Inborn genetic diseases. Last evaluated: 2021-04-29. Review status: criteria provided, single submitter. Criteria: Ambry Variant Classification Scheme 2023. Collection method: clinical testing. Allele origin: germline.
Comment: The c.2132delG (p.R711Kfs*23) alteration, located in exon 20 (coding exon 19) of the GFM2 gene, consists of a deletion of one nucleotide at position 2132, causing a translational frameshift with a predicted alternate stop codon after 23 amino acids. Frameshift alterations are typically deleterious in nature (Richards, 2015). Based on insufficient or conflicting evidence, the clinical significance of this alteration remains unclear.

Breakthrough Genomics
Classification: Uncertain significance. Review status: criteria provided, single submitter. Criteria: ACMG Guidelines, 2015. Collection method: not provided. Allele origin: germline. Inheritance: Autosomal recessive inheritance. Affected: yes.